The following is an entry in ClinVar:

ClinVar aggregate classification (germline): Benign/Likely benign. Review status: criteria provided, multiple submitters, no conflicts (2 of 4 stars). 3 submissions from 3 submitters: Benign (1); Likely benign (1). 1 of the submissions does not count toward it. Last evaluated 2025-01-27.

Conditions:
KMT2C-related disorder. Also called: KMT2C-related condition; KMT2C-related disorders.

Allele frequency attached by ClinVar (database versions not stated): gnomAD exomes 0.00012 and 0.00025; gnomAD 0.00013 and 0.00021; TOPMed 0.00022; ExAC 0.00026; 1000 Genomes Project 0.00120; 1000 Genomes Project 30x 0.00141.

Submissions (3):

Labcorp Genetics (formerly Invitae), Labcorp
Classification: Benign. Last evaluated: 2025-01-27. Review status: criteria provided, single submitter. Criteria: Invitae Variant Classification Sherloc (09022015). Collection method: clinical testing. Allele origin: germline.

Blueprint Genetics
Classification: Likely benign. Last evaluated: 2023-06-27. Review status: criteria provided, single submitter. Criteria: ACMG Guidelines, 2015. Collection method: clinical testing. Allele origin: germline.

PreventionGenetics, part of Exact Sciences
Classification: Likely benign for KMT2C-related condition. Last evaluated: 2019-10-28. Review status: no assertion criteria provided. Collection method: clinical testing. Allele origin: germline. Not counted in ClinVar's aggregate classification.
Comment: This variant is classified as likely benign based on ACMG/AMP sequence variant interpretation guidelines (Richards et al. 2015 PMID: 25741868, with internal and published modifications).

NM_170606.3(KMT2C):c.10395T>G (p.Pro3465=)

Gene: KMT2C (lysine methyltransferase 2C; minus strand). Cytogenetic location: 7q36.1.
Variant type: single nucleotide variant.
Coding change: c.10395T>G on transcript NM_170606.3 (MANE Select); coding-DNA position 10395, T replaced by G.
Protein change: p.Pro3465=; no amino-acid change (proline 3465 retained).
Molecular consequence: synonymous variant.
Genome position (GRCh38, 1-based): chr7:152,163,182, A>C on the plus strand (T>G on the coding strand, the complement: KMT2C is on the minus strand). VCF-style: chr7-152163182-A-C. GRCh37 (hg19) VCF-style: chr7-151860267-A-C.
Other names: c.10395T>G (NM_170606.2).
Identifiers: ClinVar variation 1634218 (VCV001634218.11), dbSNP rs146083360, ClinGen allele CA4579298.